The following is an entry in ClinVar:

NM_006206.6(PDGFRA):c.1489A>G (p.Ile497Val)

Gene: PDGFRA (platelet derived growth factor receptor alpha; plus strand). Cytogenetic location: 4q12.
Variant type: single nucleotide variant.
Coding change: c.1489A>G on transcript NM_006206.6 (MANE Select); coding-DNA position 1489, A replaced by G.
Protein change: p.Ile497Val; replaces isoleucine 497 with valine.
Molecular consequence: missense variant.
Genome position (GRCh38, 1-based): chr4:54,273,661, A>G. VCF-style: chr4-54273661-A-G. GRCh37 (hg19) VCF-style: chr4-55139828-A-G.
Other names: c.1489A>G, p.Ile497Val (NM_001347827.2, NM_001347829.2); c.1564A>G, p.Ile522Val (NM_001347828.2); c.1528A>G, p.Ile510Val (NM_001347830.2); short protein forms I510V, I522V, I497V.
Identifiers: ClinVar variation 1773730 (VCV001773730.5), dbSNP rs1723538728, ClinGen allele CA356892672.
Genomic context (GRCh38, chr4:54,273,661, plus strand): 5'-CACTCCCGAGACAGGAGTACCGTGGAGGGCCGTGTGACTTTCGCCAAAGTGGAGGAGACC[A>G]TCGCCGTGCGATGCCTGGCTAAGAATCTCCTTGGAGCTGAGAACCGAGAGCTGAAGCTGG-3'
Protein context (NP_006197.1, residues 487-507): RVTFAKVEET[Ile497Val]AVRCLAKNLL

ClinVar aggregate classification (germline): Uncertain significance. Review status: criteria provided, multiple submitters, no conflicts (2 of 4 stars). 2 submissions from 2 submitters: Uncertain significance (2). Last evaluated 2023-07-31.

Conditions:
Hereditary cancer-predisposing syndrome. Also called: Neoplastic Syndromes, Hereditary; Tumor predisposition; Hereditary Cancer Syndrome; Hereditary neoplastic syndrome. Identifiers: Orphanet 140162, MedGen C0027672, MeSH D009386, MONDO:0015356.
Gastrointestinal stromal tumor. Also called: Gastrointestinal stromal tumor, somatic; Gastrointestinal stroma tumor. Identifiers: Orphanet 44890, MedGen C0238198, MeSH D046152, MONDO:0011719, OMIM 606764, HP:0100723.

Allele frequency attached by ClinVar (database versions not stated): TOPMed below 0.00001.

Submissions (2):

Labcorp Genetics (formerly Invitae), Labcorp
Classification: Uncertain significance for Gastrointestinal stromal tumor. Last evaluated: 2023-07-31. Review status: criteria provided, single submitter. Criteria: Invitae Variant Classification Sherloc (09022015). Collection method: clinical testing. Allele origin: germline.
Comment: This variant has not been reported in the literature in individuals affected with PDGFRA-related conditions. ClinVar contains an entry for this variant (Variation ID: 1773730). Advanced modeling of protein sequence and biophysical properties (such as structural, functional, and spatial information, amino acid conservation, physicochemical variation, residue mobility, and thermodynamic stability) performed at Invitae indicates that this missense variant is not expected to disrupt PDGFRA protein function. In summary, the available evidence is currently insufficient to determine the role of this variant in disease. Therefore, it has been classified as a Variant of Uncertain Significance. This variant is not present in population databases (gnomAD no frequency). This sequence change replaces isoleucine, which is neutral and non-polar, with valine, which is neutral and non-polar, at codon 497 of the PDGFRA protein (p.Ile497Val).

Ambry Genetics
Classification: Uncertain significance for Hereditary cancer-predisposing syndrome. Last evaluated: 2022-05-29. Review status: criteria provided, single submitter. Criteria: Ambry Variant Classification Scheme 2023. Collection method: clinical testing. Allele origin: germline.
Comment: The p.I497V variant (also known as c.1489A>G), located in coding exon 9 of the PDGFRA gene, results from an A to G substitution at nucleotide position 1489. The isoleucine at codon 497 is replaced by valine, an amino acid with highly similar properties. This amino acid position is conserved. In addition, this alteration is predicted to be tolerated by in silico analysis. Since supporting evidence is limited at this time, the clinical significance of this alteration remains unclear.